The following is an entry in ClinVar:

ClinVar aggregate classification (germline): Uncertain significance (1 of 4 stars; one submission).

Allele frequency attached by ClinVar (database versions not stated): TOPMed 0.00003; gnomAD 0.00005; gnomAD exomes 0.00007; ESP Exome Variant Server 0.00008; ExAC 0.00013.
gnomAD v4.1: 112 of 1,614,102 alleles (0.0069%); highest among the groups gnomAD compares: South Asian, 0.085%; 1 homozygote.

Submission:

Labcorp Genetics (formerly Invitae), Labcorp
Classification: Uncertain significance. Last evaluated: 2022-07-17. Review status: criteria provided, single submitter. Criteria: Invitae Variant Classification Sherloc (09022015). Collection method: clinical testing. Allele origin: germline.
Comment: This sequence change replaces asparagine, which is neutral and polar, with serine, which is neutral and polar, at codon 432 of the SLC30A10 protein (p.Asn432Ser). This variant is present in population databases (rs144098238, gnomAD 0.08%), including at least one homozygous and/or hemizygous individual. In summary, the available evidence is currently insufficient to determine the role of this variant in disease. Therefore, it has been classified as a Variant of Uncertain Significance. Algorithms developed to predict the effect of missense changes on protein structure and function are either unavailable or do not agree on the potential impact of this missense change (SIFT: "Deleterious"; PolyPhen-2: "Possibly Damaging"; Align-GVGD: "Class C0"). This variant has not been reported in the literature in individuals affected with SLC30A10-related conditions.

NM_018713.3(SLC30A10):c.1295A>G (p.Asn432Ser)

Gene: SLC30A10 (solute carrier family 30 member 10; minus strand). Cytogenetic location: 1q41.
Variant type: single nucleotide variant.
Coding change: c.1295A>G on transcript NM_018713.3 (MANE Select); coding-DNA position 1295, A replaced by G.
Protein change: p.Asn432Ser; replaces asparagine 432 with serine.
Molecular consequence: missense variant. On other transcripts: non-coding transcript variant (2).
Genome position (GRCh38, 1-based): chr1:219,915,612, T>C on the plus strand (A>G on the coding strand, the complement: SLC30A10 is on the minus strand). VCF-style: chr1-219915612-T-C. GRCh37 (hg19) VCF-style: chr1-220088954-T-C.
Other names: c.1106A>G, p.Asn369Ser (NM_001376929.1); short protein forms N432S, N369S.
Identifiers: ClinVar variation 2150339 (VCV002150339.2), dbSNP rs144098238, ClinGen allele CA1399136.
Genomic context (GRCh38, chr1:219,915,612, plus strand): 5'-TCTCTTGCGTCTCTTCTACTGAGGCCATCACTTCCGTATGTGTCTAGAGAGGGCCCACCA[T>C]TGTGCTCAGCACAGCCATTGACGTGAGCCAGAGGCAGTGCCCCGGGGGGACAACACAGCT-3'
Protein context (NP_061183.2, residues 422-442): LAHVNGCAEH[Asn432Ser]GGPSLDTYGS